The following is an entry in ClinVar:

ClinVar aggregate classification (germline): Uncertain significance. Review status: criteria provided, multiple submitters, no conflicts (2 of 4 stars). 2 submissions from 2 submitters: Uncertain significance (2). Last evaluated 2025-09-04.

Conditions:
Retinitis pigmentosa 12 (RP12). Also called: RP WITH OR WITHOUT PPRPE; RP WITH OR WITHOUT PRESERVED PARAARTERIOLE RETINAL PIGMENT EPITHELIUM; RETINITIS PIGMENTOSA WITH OR WITHOUT PARAARTERIOLAR PRESERVATION OF RETINAL PIGMENT EPITHELIUM. Identifiers: Orphanet 791, MedGen C1838647, MONDO:0010818, OMIM 600105.
Leber congenital amaurosis 8 (LCA8). Identifiers: Orphanet 65, MedGen C3151202, MONDO:0013453, OMIM 613835.
Inborn genetic diseases. Identifiers: MedGen C0950123, MeSH D030342.

Allele frequency attached by ClinVar (database versions not stated): ExAC 0.00001.

Submissions (2):

Ambry Genetics
Classification: Uncertain significance for Inborn genetic diseases. Last evaluated: 2025-09-04. Review status: criteria provided, single submitter. Criteria: Ambry Variant Classification Scheme 2023. Collection method: clinical testing. Allele origin: germline.

Labcorp Genetics (formerly Invitae), Labcorp
Classification: Uncertain significance for Leber congenital amaurosis 8; Retinitis pigmentosa 12. Last evaluated: 2022-02-20. Review status: criteria provided, single submitter. Criteria: Invitae Variant Classification Sherloc (09022015). Collection method: clinical testing. Allele origin: germline.
Comment: This sequence change replaces aspartic acid, which is acidic and polar, with glycine, which is neutral and non-polar, at codon 193 of the CRB1 protein (p.Asp193Gly). In summary, the available evidence is currently insufficient to determine the role of this variant in disease. Therefore, it has been classified as a Variant of Uncertain Significance. Advanced modeling of protein sequence and biophysical properties (such as structural, functional, and spatial information, amino acid conservation, physicochemical variation, residue mobility, and thermodynamic stability) performed at Invitae indicates that this missense variant is not expected to disrupt CRB1 protein function. This variant has not been reported in the literature in individuals affected with CRB1-related conditions. This variant is present in population databases (rs748343022, gnomAD 0.003%).

NM_201253.3(CRB1):c.578A>G (p.Asp193Gly)

Gene: CRB1 (crumbs cell polarity complex component 1; plus strand). Cytogenetic location: 1q31.3.
Variant type: single nucleotide variant.
Coding change: c.578A>G on transcript NM_201253.3 (MANE Select); coding-DNA position 578, A replaced by G.
Protein change: p.Asp193Gly; replaces aspartic acid 193 with glycine.
Molecular consequence: missense variant. On other transcripts: non-coding transcript variant (2).
Genome position (GRCh38, 1-based): chr1:197,328,929, A>G. VCF-style: chr1-197328929-A-G. GRCh37 (hg19) VCF-style: chr1-197298059-A-G.
Other names: c.578A>G, p.Asp193Gly (NM_001193640.2, NM_001257966.2); c.371A>G, p.Asp124Gly (NM_001257965.2); c.578A>G (NM_201253.2); short protein forms D193G, D124G.
Identifiers: ClinVar variation 2156706 (VCV002156706.5), dbSNP rs748343022, ClinGen allele CA1311656.
Genomic context (GRCh38, chr1:197,328,929, plus strand): 5'-TCTGTGTCCCAGGATATCAAGGCAGACACTGCGACTTGGAAGTGGATGAATGTGCTTCAG[A>G]TCCCTGCAAGAACGAGGCTACATGCCTCAATGAAATAGGAAGATATACTTGTATCTGTCC-3'
Protein context (NP_957705.1, residues 183-203): CDLEVDECAS[Asp193Gly]PCKNEATCLN